The following is an entry in ClinVar:

NM_001367624.2(ZNF469):c.9497G>A (p.Arg3166Lys)

Gene: ZNF469 (zinc finger protein 469; plus strand). Cytogenetic location: 16q24.2.
Variant type: single nucleotide variant.
Coding change: c.9497G>A on transcript NM_001367624.2 (MANE Select); coding-DNA position 9497, G replaced by A.
Protein change: p.Arg3166Lys; replaces arginine 3166 with lysine.
Molecular consequence: missense variant.
Genome position (GRCh38, 1-based): chr16:88,436,967, G>A. VCF-style: chr16-88436967-G-A. GRCh37 (hg19) VCF-style: chr16-88503375-G-A.
Other names: NM_001127464.1:c.9413G>A; short protein forms R3166K.
Identifiers: ClinVar variation 3232883 (VCV003232883.2), dbSNP rs1042617748, ClinGen allele CA286385467.

ClinVar aggregate classification (germline): Conflicting classifications of pathogenicity. Review status: criteria provided, conflicting classifications (1 of 4 stars). 2 submissions from 2 submitters: Uncertain significance (1); Likely benign (1). Last evaluated 2025-06-16.

Conditions:
Cardiovascular phenotype. Identifiers: MedGen CN230736.

Allele frequency attached by ClinVar (database versions not stated): gnomAD 0.00001; TOPMed 0.00002.
gnomAD v4.1: 2 of 1,505,390 alleles (0.00013%); highest among the groups gnomAD compares: East Asian, 0.0025%; no homozygotes.

Submissions (2):

Women's Health and Genetics/Laboratory Corporation of America, LabCorp
Classification: Uncertain significance. Last evaluated: 2025-06-16. Review status: criteria provided, single submitter. Criteria: LabCorp Variant Classification Summary - May 2015. Collection method: clinical testing. Allele origin: germline.
Comment: Variant summary: ZNF469 c.9497G>A (p.Arg3166Lys) results in a conservative amino acid change in the encoded protein sequence. Algorithms developed to predict the effect of missense changes on protein structure and function are either unavailable or do not agree on the potential impact of this missense change. The frequency data for this variant in gnomAD is considered unreliable, as metrics indicate poor data quality at this position. To our knowledge, no occurrence of c.9497G>A in individuals affected with Brittle cornea syndrome 1 and no experimental evidence demonstrating its impact on protein function have been reported. ClinVar contains an entry for this variant (Variation ID: 3232883). Based on the evidence outlined above, the variant was classified as uncertain significance.

Ambry Genetics
Classification: Likely benign for Cardiovascular phenotype. Last evaluated: 2023-01-19. Review status: criteria provided, single submitter. Criteria: Ambry Variant Classification Scheme 2023. Collection method: clinical testing. Allele origin: germline.